The following is an entry in ClinVar:

ClinVar aggregate classification (germline): Uncertain significance (1 of 4 stars; one submission).

Allele frequency attached by ClinVar (database versions not stated): TOPMed below 0.00001; gnomAD 0.00001; ExAC 0.00002.
gnomAD v4.1: 8 of 1,613,470 alleles (0.0005%); highest among the groups gnomAD compares: Non-Finnish European, 0.00068%; no homozygotes.

Submission:

Labcorp Genetics (formerly Invitae), Labcorp
Classification: Uncertain significance. Last evaluated: 2024-10-24. Review status: criteria provided, single submitter. Criteria: Invitae Variant Classification Sherloc (09022015). Collection method: clinical testing. Allele origin: germline.
Comment: This sequence change replaces arginine, which is basic and polar, with leucine, which is neutral and non-polar, at codon 151 of the MAST1 protein (p.Arg151Leu). This variant is present in population databases (rs772811410, gnomAD 0.004%). This variant has not been reported in the literature in individuals affected with MAST1-related conditions. ClinVar contains an entry for this variant (Variation ID: 2003474). An algorithm developed to predict the effect of missense changes on protein structure and function (PolyPhen-2) suggests that this variant is likely to be disruptive. In summary, the available evidence is currently insufficient to determine the role of this variant in disease. Therefore, it has been classified as a Variant of Uncertain Significance.

NM_014975.3(MAST1):c.452G>T (p.Arg151Leu)

Gene: MAST1 (microtubule associated serine/threonine kinase 1; plus strand). Cytogenetic location: 19p13.13.
Variant type: single nucleotide variant.
Coding change: c.452G>T on transcript NM_014975.3 (MANE Select); coding-DNA position 452, G replaced by T.
Protein change: p.Arg151Leu; replaces arginine 151 with leucine.
Molecular consequence: missense variant.
Genome position (GRCh38, 1-based): chr19:12,847,414, G>T. VCF-style: chr19-12847414-G-T. GRCh37 (hg19) VCF-style: chr19-12958228-G-T.
Other names: short protein forms R151L.
Identifiers: ClinVar variation 2003474 (VCV002003474.4), dbSNP rs772811410, ClinGen allele CA9232593.
Genomic context (GRCh38, chr19:12,847,414, plus strand): 5'-ACTTCCTCTCCAAACACTTCGGGAGCACCGAGAGCATCACAGACGAGGATGGTGGCCGTC[G>T]CTCCCCAGCCGTGCGGCCCCGCTCACGGAGCCTCAGGTGGGCAGGCATCCCTCCTCCTTC-3'
Protein context (NP_055790.1, residues 141-161): ESITDEDGGR[Arg151Leu]SPAVRPRSRS